The following is an entry in ClinVar:

NM_001868.4(CPA1):c.1101G>C (p.Trp367Cys)

Gene: CPA1 (carboxypeptidase A1; plus strand). Cytogenetic location: 7q32.2.
Variant type: single nucleotide variant.
Coding change: c.1101G>C on transcript NM_001868.4 (MANE Select); coding-DNA position 1101, G replaced by C.
Protein change: p.Trp367Cys; replaces tryptophan 367 with cysteine.
Molecular consequence: missense variant.
Genome position (GRCh38, 1-based): chr7:130,387,852, G>C. VCF-style: chr7-130387852-G-C. GRCh37 (hg19) VCF-style: chr7-130027693-G-C.
Other names: short protein forms W367C.
Identifiers: ClinVar variation 2823723 (VCV002823723.3), dbSNP rs1554412223, ClinGen allele CA369284234.

ClinVar aggregate classification (germline): Uncertain significance (1 of 4 stars; one submission).

Submission:

Labcorp Genetics (formerly Invitae), Labcorp
Classification: Uncertain significance. Last evaluated: 2022-12-24. Review status: criteria provided, single submitter. Criteria: Invitae Variant Classification Sherloc (09022015). Collection method: clinical testing. Allele origin: germline.
Comment: In summary, the available evidence is currently insufficient to determine the role of this variant in disease. Therefore, it has been classified as a Variant of Uncertain Significance. Advanced modeling of protein sequence and biophysical properties (such as structural, functional, and spatial information, amino acid conservation, physicochemical variation, residue mobility, and thermodynamic stability) performed at Invitae indicates that this missense variant is expected to disrupt CPA1 protein function. This variant has not been reported in the literature in individuals affected with CPA1-related conditions. This variant is not present in population databases (gnomAD no frequency). This sequence change replaces tryptophan, which is neutral and slightly polar, with cysteine, which is neutral and slightly polar, at codon 367 of the CPA1 protein (p.Trp367Cys).